The following is an entry in ClinVar:

ClinVar aggregate classification (germline): Pathogenic/Likely pathogenic. Review status: criteria provided, multiple submitters, no conflicts (2 of 4 stars). 3 submissions from 3 submitters: Pathogenic (2); Likely pathogenic (1). Last evaluated 2024-06-19.

Conditions:
Glutathione synthetase deficiency without 5-oxoprolinuria. Also called: ANEMIA, CONGENITAL, NONSPHEROCYTIC HEMOLYTIC, 6. Identifiers: Orphanet 289849, Orphanet 32, MedGen C1856399, MONDO:0009284, OMIM 231900.
Glutathione synthetase deficiency with 5-oxoprolinuria. Also called: PYROGLUTAMIC ACIDURIA; 5-Oxoprolinuria; Gluthathione synthetase deficiency; 5-OXOPROLINURIA DUE TO GLUTATHIONE SYNTHETASE DEFICIENCY; Reduced glutathione synthetase level. Identifiers: Orphanet 289846, MedGen C0398746, MONDO:0009947, OMIM 266130, HP:0003343.

Submissions (3):

Fulgent Genetics
Classification: Pathogenic for Glutathione synthetase deficiency without 5-oxoprolinuria; Glutathione synthetase deficiency with 5-oxoprolinuria. Last evaluated: 2024-06-19. Review status: criteria provided, single submitter. Criteria: ACMG Guidelines, 2015. Collection method: clinical testing. Allele origin: germline.

Women's Health and Genetics/Laboratory Corporation of America, LabCorp
Classification: Pathogenic for Glutathione synthetase deficiency with 5-oxoprolinuria. Last evaluated: 2024-06-19. Review status: criteria provided, single submitter. Criteria: LabCorp Variant Classification Summary - May 2015. Collection method: clinical testing. Allele origin: germline.
Comment: Variant summary: GSS c.656A>C (p.Asp219Ala) results in a non-conservative amino acid change located in the Glutathione synthase, substrate-binding domain (IPR004887) of the encoded protein sequence. Five of five in-silico tools predict a damaging effect of the variant on protein function. The variant allele was found at a frequency of 4e-06 in 251476 control chromosomes. c.656A>C has been reported in the literature in individuals affected with Glutathione Synthetase Deficiency (examples: Dahl_1997, Njalsson_2005). These data indicate that the variant may be associated with disease. At least one publication reports experimental evidence evaluating an impact on protein function. The most pronounced variant effect results in <10% of normal activity in an in vitro assay (Njalsson_2004). A different variant affecting the same codon has been classified as pathogenic by our lab (c.656A>G, p.Asp219Gly), supporting the critical relevance of codon 219 to GSS protein function. The following publications have been ascertained in the context of this evaluation (PMID: 15717202, 15056072, 9215686, 10369661). ClinVar contains an entry for this variant (Variation ID: 2445815). Based on the evidence outlined above, the variant was classified as pathogenic.

Labcorp Genetics (formerly Invitae), Labcorp
Classification: Likely pathogenic for Glutathione synthetase deficiency with 5-oxoprolinuria. Last evaluated: 2023-05-15. Review status: criteria provided, single submitter. Criteria: Invitae Variant Classification Sherloc (09022015). Collection method: clinical testing. Allele origin: germline.
Comment: Experimental studies have shown that this missense change affects GSS function (PMID: 15056072). Advanced modeling of protein sequence and biophysical properties (such as structural, functional, and spatial information, amino acid conservation, physicochemical variation, residue mobility, and thermodynamic stability) performed at Invitae indicates that this missense variant is expected to disrupt GSS protein function. ClinVar contains an entry for this variant (Variation ID: 2445815). This missense change has been observed in individual(s) with glutathione synthetase deficiency (PMID: 9215686). This variant is present in population databases (no rsID available, gnomAD 0.0009%). This sequence change replaces aspartic acid, which is acidic and polar, with alanine, which is neutral and non-polar, at codon 219 of the GSS protein (p.Asp219Ala). This variant disrupts the p.Asp219 amino acid residue in GSS. Other variant(s) that disrupt this residue have been determined to be pathogenic (PMID: 9215686, 11167850, 15056072, 15717202). This suggests that this residue is clinically significant, and that variants that disrupt this residue are likely to be disease-causing. In summary, the currently available evidence indicates that the variant is pathogenic, but additional data are needed to prove that conclusively. Therefore, this variant has been classified as Likely Pathogenic.

Literature cited by the submitters: PubMed 15717202 (cited by Women's Health and Genetics/Laboratory Corporation of America, LabCorp and Labcorp Genetics (formerly Invitae), Labcorp); PubMed 15056072 (cited by Women's Health and Genetics/Laboratory Corporation of America, LabCorp and Labcorp Genetics (formerly Invitae), Labcorp); PubMed 9215686 (cited by Women's Health and Genetics/Laboratory Corporation of America, LabCorp and Labcorp Genetics (formerly Invitae), Labcorp); PubMed 10369661 (cited by Women's Health and Genetics/Laboratory Corporation of America, LabCorp); PubMed 11167850 (cited by Labcorp Genetics (formerly Invitae), Labcorp).

NM_000178.4(GSS):c.656A>C (p.Asp219Ala)

Gene: GSS (glutathione synthetase; minus strand). Cytogenetic location: 20q11.22.
Variant type: single nucleotide variant.
Coding change: c.656A>C on transcript NM_000178.4 (MANE Select); coding-DNA position 656, A replaced by C.
Protein change: p.Asp219Ala; replaces aspartic acid 219 with alanine.
Molecular consequence: missense variant.
Genome position (GRCh38, 1-based): chr20:34,936,976, T>G on the plus strand (A>C on the coding strand, the complement: GSS is on the minus strand). VCF-style: chr20-34936976-T-G. GRCh37 (hg19) VCF-style: chr20-33524779-T-G.
Other names: c.656A>C, p.Asp219Ala (NM_001322494.1, NM_001322495.1); c.656A>C (NM_000178.3); short protein forms D219A.
Identifiers: ClinVar variation 2445815 (VCV002445815.6), dbSNP rs28938472, ClinGen allele CA408702823.